The following is an entry in ClinVar:

NM_032578.4(MYPN):c.2510T>A (p.Leu837His)

Gene: MYPN (myopalladin; plus strand). Cytogenetic location: 10q21.3.
Variant type: single nucleotide variant.
Coding change: c.2510T>A on transcript NM_032578.4 (MANE Select); coding-DNA position 2510, T replaced by A.
Protein change: p.Leu837His; replaces leucine 837 with histidine.
Molecular consequence: missense variant. On other transcripts: non-coding transcript variant (2).
Genome position (GRCh38, 1-based): chr10:68,174,602, T>A. VCF-style: chr10-68174602-T-A. GRCh37 (hg19) VCF-style: chr10-69934359-T-A.
Other names: c.2510T>A, p.Leu837His (NM_001256267.2); c.1628T>A, p.Leu543His (NM_001256268.2); short protein forms L543H, L837H.
Identifiers: ClinVar variation 1792400 (VCV001792400.2), dbSNP rs1308424375, ClinGen allele CA376848015.

ClinVar aggregate classification (germline): Uncertain significance (1 of 4 stars; one submission).

Conditions:
Cardiovascular phenotype. Identifiers: MedGen CN230736.

Allele frequency attached by ClinVar (database versions not stated): gnomAD exomes below 0.00001; TOPMed below 0.00001.
gnomAD v4.1: 2 of 1,614,140 alleles (0.00012%); highest among the groups gnomAD compares: East Asian, 0.0045%; no homozygotes.

Submission:

Ambry Genetics
Classification: Uncertain significance for Cardiovascular phenotype. Last evaluated: 2019-07-29. Review status: criteria provided, single submitter. Criteria: Ambry Variant Classification Scheme 2023. Collection method: clinical testing. Allele origin: germline.
Comment: The p.L837H variant (also known as c.2510T>A), located in coding exon 10 of the MYPN gene, results from a T to A substitution at nucleotide position 2510. The leucine at codon 837 is replaced by histidine, an amino acid with similar properties. This amino acid position is highly conserved in available vertebrate species. In addition, the in silico prediction for this alteration is inconclusive. Since supporting evidence is limited at this time, the clinical significance of this alteration remains unclear.